The following is an entry in ClinVar:

ClinVar aggregate classification (germline): Benign/Likely benign. Review status: criteria provided, multiple submitters, no conflicts (2 of 4 stars). 6 submissions from 6 submitters: Benign (1); Likely benign (5). Last evaluated 2025-12-20.

Conditions:
Ehlers-Danlos syndrome, classic type, 1 (EDSCL1). Also called: Ehlers-Danlos Syndrome, Classic Type, COL5A1-Related; EDS I; EHLERS-DANLOS SYNDROME, GRAVIS TYPE; EHLERS-DANLOS SYNDROME, SEVERE CLASSIC TYPE; Ehlers-Danlos syndrome, type 1. Identifiers: MedGen C0268335, MONDO:0019567, OMIM 130000.
Ehlers-Danlos syndrome, classic type, 2 (EDSCL2). Also called: Ehlers-Danlos Syndrome, Classic Type, COL5A2-Related; Ehlers-Danlos syndrome type 2 (formerly); Ehlers-Danlos syndrome, type 2. Identifiers: Orphanet 287, Orphanet 90318, MedGen C0268336, MONDO:0019568, OMIM 130010.
Familial thoracic aortic aneurysm and aortic dissection (TAAD). Also called: Thoracic aortic aneurysms and dissections. Identifiers: Orphanet 91387, MedGen C4707243, MONDO:0019625.

Allele frequency attached by ClinVar (database versions not stated): gnomAD exomes 0.00004 and 0.00005; ExAC 0.00007; TOPMed 0.00011; ESP Exome Variant Server 0.00023.
gnomAD v4.1: 77 of 1,613,362 alleles (0.0048%); highest among the groups gnomAD compares: East Asian, 0.056%; no homozygotes.

Submissions (6):

Labcorp Genetics (formerly Invitae), Labcorp
Classification: Likely benign for Ehlers-Danlos syndrome, classic type, 1. Last evaluated: 2025-12-20. Review status: criteria provided, single submitter. Criteria: Invitae Variant Classification Sherloc (09022015). Collection method: clinical testing. Allele origin: germline.

Women's Health and Genetics/Laboratory Corporation of America, LabCorp
Classification: Benign. Last evaluated: 2025-06-04. Review status: criteria provided, single submitter. Criteria: LabCorp Variant Classification Summary - May 2015. Collection method: clinical testing. Allele origin: germline.

Blueprint Genetics
Classification: Likely benign. Last evaluated: 2024-10-11. Review status: criteria provided, single submitter. Criteria: ACMG Guidelines, 2015. Collection method: clinical testing. Allele origin: germline.

GeneDx
Classification: Likely benign. Last evaluated: 2018-10-05. Review status: criteria provided, single submitter. Criteria: GeneDx Variant Classification Process June 2021. Collection method: clinical testing. Allele origin: germline. Affected: yes.

Illumina Laboratory Services, Illumina
Classification: Likely benign for Ehlers-Danlos syndrome, classic type, 2. Last evaluated: 2018-01-12. Review status: criteria provided, single submitter. Criteria: ICSL Variant Classification Criteria 13 December 2019. Collection method: clinical testing. Allele origin: germline.
Comment: This variant was observed in the ICSL laboratory as part of a predisposition screen in an ostensibly healthy population. It had not been previously curated by ICSL or reported in the Human Gene Mutation Database (HGMD: prior to June 1st, 2018), and was therefore a candidate for classification through an automated scoring system. Utilizing variant allele frequency, disease prevalence and penetrance estimates, and inheritance mode, an automated score was calculated to assess if this variant is too frequent to cause the disease. Based on the score and internal cut-off values, a variant classified as likely benign is not then subjected to further curation. The score for this variant resulted in a classification of likely benign for this disease.

Ambry Genetics
Classification: Likely benign for Familial thoracic aortic aneurysm and aortic dissection. Last evaluated: 2017-09-23. Review status: criteria provided, single submitter. Criteria: Ambry Variant Classification Scheme 2023. Collection method: clinical testing. Allele origin: germline.

NM_000393.5(COL5A2):c.2544C>T (p.Ala848=)

Gene: COL5A2 (collagen type V alpha 2 chain; minus strand). Cytogenetic location: 2q32.2.
Variant type: single nucleotide variant.
Coding change: c.2544C>T on transcript NM_000393.5 (MANE Select); coding-DNA position 2544, C replaced by T.
Protein change: p.Ala848=; no amino-acid change (alanine 848 retained).
Molecular consequence: synonymous variant.
Genome position (GRCh38, 1-based): chr2:189,053,433, G>A on the plus strand (C>T on the coding strand, the complement: COL5A2 is on the minus strand). VCF-style: chr2-189053433-G-A. GRCh37 (hg19) VCF-style: chr2-189918159-G-A.
Identifiers: ClinVar variation 333140 (VCV000333140.24), dbSNP rs370774253, ClinGen allele CA2022278.
Genomic context (GRCh38, chr2:189,053,433, plus strand): 5'-TATAACAAGATAAGTGTTTATTTGTAAATTAGGGATATTTGAAAATTATACCTGGGGTCC[G>A]GCAAAACCAACAGCTCCAGTTGGCCCATTTTCACCTCGAGAACCCTAGGAGGAGACAAAG-3'
Protein context (NP_000384.2, residues 838-858): ENGPTGAVGF[Ala848=]GPQGPDGQPG